The following is an entry in ClinVar:

ClinVar aggregate classification (germline): Uncertain significance. Review status: criteria provided, multiple submitters, no conflicts (2 of 4 stars). 2 submissions from 2 submitters: Uncertain significance (2). Last evaluated 2025-06-09.

Conditions:
Retinoblastoma (RB1). Also called: RETINOBLASTOMA, SOMATIC. Identifiers: Orphanet 790, MedGen C0035335, MeSH D012175, MONDO:0008380, OMIM 180200, HP:0009919. Disease mechanism: loss of function. Inheritance: Both sporadic and heritable forms are tested..

Allele frequency attached by ClinVar (database versions not stated): ExAC below 0.00001.
gnomAD v4.1: 7 of 1,559,750 alleles (0.00045%); highest among the groups gnomAD compares: African/African-American, 0.0014%; no homozygotes.

Submissions (2):

Labcorp Genetics (formerly Invitae), Labcorp
Classification: Uncertain significance for Retinoblastoma. Last evaluated: 2025-06-09. Review status: criteria provided, single submitter. Criteria: Invitae Variant Classification Sherloc (09022015). Collection method: clinical testing. Allele origin: germline.
Comment: This sequence change replaces phenylalanine, which is neutral and non-polar, with leucine, which is neutral and non-polar, at codon 293 of the RB1 protein (p.Phe293Leu). This variant is not present in population databases (gnomAD no frequency). This variant has not been reported in the literature in individuals affected with RB1-related conditions. ClinVar contains an entry for this variant (Variation ID: 954634). Invitae Evidence Modeling of protein sequence and biophysical properties (such as structural, functional, and spatial information, amino acid conservation, physicochemical variation, residue mobility, and thermodynamic stability) indicates that this missense variant is not expected to disrupt RB1 protein function with a negative predictive value of 80%. In summary, the available evidence is currently insufficient to determine the role of this variant in disease. Therefore, it has been classified as a Variant of Uncertain Significance.

All of Us Research Program, National Institutes of Health
Classification: Uncertain significance for Retinoblastoma. Last evaluated: 2023-06-26. Review status: criteria provided, single submitter. Criteria: ACMG Guidelines, 2015. Collection method: clinical testing. Allele origin: germline. Inheritance: Autosomal dominant inheritance. Observed: 1 variant allele, 1 heterozygote.
Comment: This missense variant replaces phenylalanine with leucine at codon 293 of the RB1 protein. Computational prediction suggests that this variant may not impact protein structure and function (internally defined REVEL score threshold <= 0.5, PMID: 27666373). To our knowledge, functional studies have not been reported for this variant. This variant has not been reported in individuals affected with RB1-related disorders in the literature. This variant has not been identified in the general population by the Genome Aggregation Database (gnomAD). The available evidence is insufficient to determine the role of this variant in disease conclusively. Therefore, this variant is classified as a Variant of Uncertain Significance.

This study involves interpretation of variants in research participants for the purpose of population health screening. Participant phenotype was not available at the time of variant classification. Additional details can be found in publication PMID: 35346344, PMCID: PMC8962531

NM_000321.3(RB1):c.879C>A (p.Phe293Leu)

Gene: RB1 (RB transcriptional corepressor 1; plus strand). Cytogenetic location: 13q14.2.
Variant type: single nucleotide variant.
Coding change: c.879C>A on transcript NM_000321.3 (MANE Select); coding-DNA position 879, C replaced by A.
Protein change: p.Phe293Leu; replaces phenylalanine 293 with leucine.
Molecular consequence: missense variant.
Genome position (GRCh38, 1-based): chr13:48,364,911, C>A. VCF-style: chr13-48364911-C-A. GRCh37 (hg19) VCF-style: chr13-48939047-C-A.
Other names: short protein forms F293L.
Identifiers: ClinVar variation 954634 (VCV000954634.8), dbSNP rs775381228, ClinGen allele CA039759.
Genomic context (GRCh38, chr13:48,364,911, plus strand): 5'-GTTTTAAATTTTAATGATCATGTTGTAACTTCATCTTTTTCAGGTGAAAAATGTTTATTT[C>A]AAAAATTTTATACCTTTTATGAATTCTCTTGGACTTGTAACATCTAATGGACTTCCAGAG-3'
Protein context (NP_000312.2, residues 283-303): CNIDEVKNVY[Phe293Leu]KNFIPFMNSL